The following is an entry in ClinVar:

NM_021076.4(NEFH):c.883+1G>C

Gene: NEFH (neurofilament heavy chain; plus strand). Cytogenetic location: 22q12.2.
Variant type: single nucleotide variant.
Coding change: c.883+1G>C on transcript NM_021076.4 (MANE Select); the canonical splice donor site of the intron after coding-DNA position 883, G replaced by C.
Molecular consequence: splice donor variant.
Genome position (GRCh38, 1-based): chr22:29,481,146, G>C. VCF-style: chr22-29481146-G-C. GRCh37 (hg19) VCF-style: chr22-29877135-G-C.
Identifiers: ClinVar variation 804316 (VCV000804316.3), dbSNP rs1602961831, ClinGen allele CA411124311.
Genomic context (GRCh38, chr22:29,481,146, plus strand): 5'-GCGCGCAGCTTGAAGGCCACGCGGTGCAGAGCACGCTGCAGTCCGAGGAGTGGTTCCGAG[G>C]TACGCAGGCGCGCGGGTGGGGGGAGGGGCGCCCCTGCTGACCCCGCAGCGAACTTTTGGG-3'

ClinVar aggregate classification (germline): Likely pathogenic (1 of 4 stars; one submission).

Conditions:
Charcot-Marie-Tooth disease axonal type 2C (HMSN2C). Also called: Charcot-Marie-Tooth Disease Type 2, TRPV4-Related (CMT2C); CHARCOT-MARIE-TOOTH DISEASE, AXONAL, AUTOSOMAL DOMINANT, TYPE 2C; Charcot-Marie-Tooth Neuropathy Type 2C. Identifiers: Orphanet 99937, MedGen C1853710, MONDO:0011633, OMIM 606071.

Submission:

Institute of Human Genetics, University of Goettingen
Classification: Likely pathogenic for Charcot-Marie-Tooth Neuropathy Type 2C. Last evaluated: 2019-12-12. Review status: criteria provided, single submitter. Criteria: ACMG Guidelines, 2015. Collection method: clinical testing. Allele origin: germline. Inheritance: Autosomal dominant inheritance. Affected: yes. Observed: 1 heterozygote.
Comment: This substitution is located in the donor splice site of intron 1. Predicted change at donor site 1 bps upstream: -100.0%. Pathogenic computational verdict because 4 pathogenic predictions from DANN, EIGEN, FATHMM-MKL and MutationTaster vs no benign predictions.